The following is an entry in ClinVar:

NM_015425.6(POLR1A):c.4536A>G (p.Ile1512Met)

Gene: POLR1A (RNA polymerase I subunit A; minus strand). Cytogenetic location: 2p11.2.
Variant type: single nucleotide variant.
Coding change: c.4536A>G on transcript NM_015425.6 (MANE Select); coding-DNA position 4536, A replaced by G.
Protein change: p.Ile1512Met; replaces isoleucine 1512 with methionine.
Molecular consequence: missense variant.
Genome position (GRCh38, 1-based): chr2:86,031,372, T>C on the plus strand (A>G on the coding strand, the complement: POLR1A is on the minus strand). VCF-style: chr2-86031372-T-C. GRCh37 (hg19) VCF-style: chr2-86258495-T-C.
Other names: short protein forms I1512M.
Identifiers: ClinVar variation 2958602 (VCV002958602.3), dbSNP rs367832335, ClinGen allele CA51366450.

ClinVar aggregate classification (germline): Uncertain significance (1 of 4 stars; one submission).

Allele frequency attached by ClinVar (database versions not stated): gnomAD 0.00001; TOPMed 0.00002; ESP Exome Variant Server 0.00008; gnomAD exomes 0.00001.
gnomAD v4.1: 22 of 1,599,432 alleles (0.0014%); highest among the groups gnomAD compares: Non-Finnish European, 0.0018%; no homozygotes.

Submission:

Labcorp Genetics (formerly Invitae), Labcorp
Classification: Uncertain significance. Last evaluated: 2025-04-28. Review status: criteria provided, single submitter. Criteria: Invitae Variant Classification Sherloc (09022015). Collection method: clinical testing. Allele origin: germline.
Comment: This sequence change replaces isoleucine, which is neutral and non-polar, with methionine, which is neutral and non-polar, at codon 1512 of the POLR1A protein (p.Ile1512Met). This variant is present in population databases (rs367832335, gnomAD 0.003%). This variant has not been reported in the literature in individuals affected with POLR1A-related conditions. ClinVar contains an entry for this variant (Variation ID: 2958602). Invitae Evidence Modeling of protein sequence and biophysical properties (such as structural, functional, and spatial information, amino acid conservation, physicochemical variation, residue mobility, and thermodynamic stability) has been performed for this missense variant. However, the output from this modeling did not meet the statistical confidence thresholds required to predict the impact of this variant on POLR1A protein function. In summary, the available evidence is currently insufficient to determine the role of this variant in disease. Therefore, it has been classified as a Variant of Uncertain Significance.